The following is an entry in ClinVar:

ClinVar aggregate classification (germline): Uncertain significance. Review status: criteria provided, multiple submitters, no conflicts (2 of 4 stars). 2 submissions from 2 submitters: Uncertain significance (2). Last evaluated 2025-05-25.

Conditions:
Inborn genetic diseases. Identifiers: MedGen C0950123, MeSH D030342.
Short-rib thoracic dysplasia 14 with polydactyly (SRTD14). Identifiers: Orphanet 397715, MedGen C4225286, MONDO:0014688, OMIM 616546.
Joubert syndrome 23 (JBTS23). Identifiers: Orphanet 475, MedGen C4084822, MONDO:0014664, OMIM 616490.

Allele frequency attached by ClinVar (database versions not stated): gnomAD 0.00001; TOPMed 0.00001; gnomAD exomes 0.00009; 1000 Genomes Project 30x 0.00016; ExAC 0.00008; 1000 Genomes Project 0.00020.
gnomAD v4.1: 39 of 1,576,504 alleles (0.0025%); highest among the groups gnomAD compares: East Asian, 0.027%; no homozygotes.

Submissions (2):

Ambry Genetics
Classification: Uncertain significance for Inborn genetic diseases. Last evaluated: 2025-05-25. Review status: criteria provided, single submitter. Criteria: Ambry Variant Classification Scheme 2023. Collection method: clinical testing. Allele origin: germline.

Labcorp Genetics (formerly Invitae), Labcorp
Classification: Uncertain significance for Joubert syndrome 23; Short-rib thoracic dysplasia 14 with polydactyly. Last evaluated: 2022-11-01. Review status: criteria provided, single submitter. Criteria: Invitae Variant Classification Sherloc (09022015). Collection method: clinical testing. Allele origin: germline.
Comment: This sequence change replaces valine, which is neutral and non-polar, with isoleucine, which is neutral and non-polar, at codon 1023 of the KIAA0586 protein (p.Val1023Ile). This variant is present in population databases (rs368808852, gnomAD 0.06%). This variant has not been reported in the literature in individuals affected with KIAA0586-related conditions. ClinVar contains an entry for this variant (Variation ID: 1053249). Advanced modeling of protein sequence and biophysical properties (such as structural, functional, and spatial information, amino acid conservation, physicochemical variation, residue mobility, and thermodynamic stability) performed at Invitae indicates that this missense variant is not expected to disrupt KIAA0586 protein function. In summary, the available evidence is currently insufficient to determine the role of this variant in disease. Therefore, it has been classified as a Variant of Uncertain Significance.

NM_001329943.3(KIAA0586):c.2908G>A (p.Val970Ile)

Gene: KIAA0586 (KIAA0586; plus strand). Cytogenetic location: 14q23.1.
Variant type: single nucleotide variant.
Coding change: c.2908G>A on transcript NM_001329943.3 (MANE Select); coding-DNA position 2908, G replaced by A.
Protein change: p.Val970Ile; replaces valine 970 with isoleucine.
Molecular consequence: missense variant.
Genome position (GRCh38, 1-based): chr14:58,477,205, G>A. VCF-style: chr14-58477205-G-A. GRCh37 (hg19) VCF-style: chr14-58943923-G-A.
Other names: c.3067G>A, p.Val1023Ile (NM_001244189.2); c.2863G>A, p.Val955Ile (NM_001244190.2); c.2653G>A, p.Val885Ile (NM_001244191.2, NM_001329945.2, NM_001364700.1 and 1 more transcripts); c.2776G>A, p.Val926Ile (NM_001244192.2); c.2488G>A, p.Val830Ile (NM_001244193.2); c.2908G>A, p.Val970Ile (NM_001329944.2, NM_001329946.2, NM_001329947.2); c.2680G>A, p.Val894Ile (NM_014749.5); c.2680G>A (NM_014749.3); short protein forms V1023I, V830I, V885I, V894I, V926I, V955I, V970I.
Identifiers: ClinVar variation 1053249 (VCV001053249.8), dbSNP rs368808852, ClinGen allele CA7206002.